The following is an entry in ClinVar:

ClinVar aggregate classification (germline): Uncertain significance. Review status: criteria provided, multiple submitters, no conflicts (2 of 4 stars). 3 submissions from 3 submitters: Uncertain significance (3). Last evaluated 2026-08-27.

Conditions:
ALPK3-related disorder. Also called: ALPK3-related condition.
Cardiovascular phenotype. Identifiers: MedGen CN230736.

Allele frequency attached by ClinVar (database versions not stated): gnomAD exomes below 0.00001 and 0.00001; ExAC 0.00002; TOPMed 0.00003.
gnomAD v4.1: 8 of 1,614,010 alleles (0.0005%); highest among the groups gnomAD compares: African/African-American, 0.008%; no homozygotes.

Submissions (3):

PreventionGenetics, part of Exact Sciences
Classification: Uncertain significance for ALPK3-related condition. Last evaluated: 2026-08-27. Review status: criteria provided, single submitter. Criteria: ACMG Guidelines, 2015. Collection method: clinical testing. Allele origin: germline.
Comment: The ALPK3 c.4771G>A variant is predicted to result in the amino acid substitution p.Ala1591Thr. To our knowledge, this variant has not been reported in the literature. This variant is reported in 0.012% of alleles in individuals of African descent in gnomAD. At this time, the clinical significance of this variant is uncertain due to the absence of conclusive functional and genetic evidence.

Labcorp Genetics (formerly Invitae), Labcorp
Classification: Uncertain significance. Last evaluated: 2024-08-22. Review status: criteria provided, single submitter. Criteria: Invitae Variant Classification Sherloc (09022015). Collection method: clinical testing. Allele origin: germline.
Comment: This sequence change replaces alanine, which is neutral and non-polar, with threonine, which is neutral and polar, at codon 1591 of the ALPK3 protein (p.Ala1591Thr). This variant is present in population databases (rs765113565, gnomAD 0.01%). This variant has not been reported in the literature in individuals affected with ALPK3-related conditions. ClinVar contains an entry for this variant (Variation ID: 1347668). Invitae Evidence Modeling of protein sequence and biophysical properties (such as structural, functional, and spatial information, amino acid conservation, physicochemical variation, residue mobility, and thermodynamic stability) indicates that this missense variant is expected to disrupt ALPK3 protein function with a positive predictive value of 80%. In summary, the available evidence is currently insufficient to determine the role of this variant in disease. Therefore, it has been classified as a Variant of Uncertain Significance.

Ambry Genetics
Classification: Uncertain significance for Cardiovascular phenotype. Last evaluated: 2021-07-08. Review status: criteria provided, single submitter. Criteria: Ambry Variant Classification Scheme 2023. Collection method: clinical testing. Allele origin: germline.
Comment: The p.A1591T variant (also known as c.4771G>A), located in coding exon 10 of the ALPK3 gene, results from a G to A substitution at nucleotide position 4771. The alanine at codon 1591 is replaced by threonine, an amino acid with similar properties. This amino acid position is conserved. In addition, this alteration is predicted to be tolerated by in silico analysis. Since supporting evidence is limited at this time, the clinical significance of this alteration remains unclear.

NM_020778.5(ALPK3):c.4165G>A (p.Ala1389Thr)

Gene: ALPK3 (alpha kinase 3; plus strand). Cytogenetic location: 15q25.3.
Variant type: single nucleotide variant.
Coding change: c.4165G>A on transcript NM_020778.5 (MANE Select); coding-DNA position 4165, G replaced by A.
Protein change: p.Ala1389Thr; replaces alanine 1389 with threonine.
Molecular consequence: missense variant.
Genome position (GRCh38, 1-based): chr15:84,862,670, G>A. VCF-style: chr15-84862670-G-A. GRCh37 (hg19) VCF-style: chr15-85405901-G-A.
Other names: short protein forms A1389T.
Identifiers: ClinVar variation 1347668 (VCV001347668.9), dbSNP rs765113565, ClinGen allele CA7709886.